The following is an entry in ClinVar:

ClinVar aggregate classification (germline): Uncertain significance (1 of 4 stars; one submission).

Allele frequency attached by ClinVar (database versions not stated): ExAC 0.00001; gnomAD 0.00001; gnomAD exomes 0.00001; TOPMed 0.00001.
gnomAD v4.1: 31 of 1,614,016 alleles (0.0019%); highest among the groups gnomAD compares: Non-Finnish European, 0.0025%; no homozygotes.

Submission:

Labcorp Genetics (formerly Invitae), Labcorp
Classification: Uncertain significance. Last evaluated: 2024-02-23. Review status: criteria provided, single submitter. Criteria: Invitae Variant Classification Sherloc (09022015). Collection method: clinical testing. Allele origin: germline.
Comment: This sequence change replaces isoleucine, which is neutral and non-polar, with leucine, which is neutral and non-polar, at codon 30 of the PRPF4 protein (p.Ile30Leu). This variant is present in population databases (rs773109736, gnomAD 0.003%). This variant has not been reported in the literature in individuals affected with PRPF4-related conditions. ClinVar contains an entry for this variant (Variation ID: 1491304). An algorithm developed to predict the effect of missense changes on protein structure and function (PolyPhen-2) suggests that this variant is likely to be tolerated. In summary, the available evidence is currently insufficient to determine the role of this variant in disease. Therefore, it has been classified as a Variant of Uncertain Significance.

NM_001244926.2(PRPF4):c.85A>C (p.Ile29Leu)

Gene: PRPF4 (pre-mRNA splicing tri-snRNP complex factor PRPF4; plus strand). Cytogenetic location: 9q32.
Variant type: single nucleotide variant.
Coding change: c.85A>C on transcript NM_001244926.2 (MANE Select); coding-DNA position 85, A replaced by C.
Protein change: p.Ile29Leu; replaces isoleucine 29 with leucine.
Molecular consequence: missense variant. On other transcripts: 5 prime UTR variant (2), non-coding transcript variant (2).
Genome position (GRCh38, 1-based): chr9:113,276,605, A>C. VCF-style: chr9-113276605-A-C. GRCh37 (hg19) VCF-style: chr9-116038885-A-C.
Other names: c.-681A>C (NM_001322266.2, NM_001322267.2); c.88A>C, p.Ile30Leu (NM_004697.5); short protein forms I30L, I29L.
Identifiers: ClinVar variation 1491304 (VCV001491304.6), dbSNP rs773109736, ClinGen allele CA5194775.